The following is an entry in ClinVar:

NC_000007.13:g.(?_158662526)_(158738470_?)dup

Gene: DYNC2I1 (dynein 2 intermediate chain 1; plus strand). Cytogenetic location: 7q36.3.
Variant type: Duplication.
Identifiers: ClinVar variation 2426422 (VCV002426422.4).

ClinVar aggregate classification (germline): Uncertain significance (1 of 4 stars; one submission).

Conditions:
Short-rib thoracic dysplasia 8 with or without polydactyly (SRTD8). Also called: SHORT-RIB THORACIC DYSPLASIA 8 WITH POLYDACTYLY. Identifiers: Orphanet 93271, MedGen C3809691, MONDO:0014214, OMIM 615503.

Submission:

Labcorp Genetics (formerly Invitae), Labcorp
Classification: Uncertain significance for Short-rib thoracic dysplasia 8 with or without polydactyly. Last evaluated: 2022-11-01. Review status: criteria provided, single submitter. Criteria: Invitae Variant Classification Sherloc (09022015). Collection method: clinical testing. Allele origin: germline.
Comment: This variant results in a copy number gain of the genomic region encompassing exon(s) 2-25 of the WDR60 gene. This region includes the termination codon of the gene. This copy number gain extends beyond the assayed region for this gene and therefore may encompass additional genes. As the precise location of this event is unknown, it may be in tandem or it may be located elsewhere in the genome. In summary, the available evidence is currently insufficient to determine the role of this variant in disease. Therefore, it has been classified as a Variant of Uncertain Significance. Experimental studies and prediction algorithms are not available or were not evaluated, and the functional significance of this variant is currently unknown. This variant has not been reported in the literature in individuals affected with WDR60-related conditions.